The following is an entry in ClinVar:

NM_015570.4(AUTS2):c.2686_2687del (p.Asp896fs)

Gene: AUTS2 (activator of transcription and developmental regulator AUTS2; plus strand). Cytogenetic location: 7q11.22.
Variant type: Microsatellite.
Coding change: c.2686_2687del on transcript NM_015570.4 (MANE Select); coding-DNA positions 2686 to 2687, 2 bases deleted (GA; older notation c.2686_2687delGA).
Protein change: p.Asp896fs; shifts the reading frame from aspartic acid 896.
Molecular consequence: frameshift variant.
Genome position (GRCh38, 1-based): chr7:70,789,902-70,789,903, GA deleted; deleting any 2 consecutive bases within chr7:70,789,896-70,789,903 gives the same sequence; the c. name uses the placement nearest the transcript's 3' end. VCF-style (leftmost placement, unchanged base first): chr7-70789895-GGA-G. GRCh37 (hg19) VCF-style: chr7-70254881-GGA-G.
Other names: c.2614_2615del, p.Asp872fs (NM_001127231.3); short protein forms D872fs, D896fs.
Identifiers: ClinVar variation 521904 (VCV000521904.5), dbSNP rs1554488565, ClinGen allele CA658796938.
Genomic context (GRCh38, chr7:70,789,895, plus strand): 5'-TGAACAGATCCGGGCTCATCTGAACACTGAGGCTCGGGAGAAGGACAAACCCAAAGAGAG[GGA>G]GAGAGACCACTCGGAATCCCGCAAGGACCTGGCCGCCGACGAGCACAAGGCGAAAGAGGG-3'

ClinVar aggregate classification (germline): Pathogenic (1 of 4 stars; one submission).

Conditions:
Inborn genetic diseases. Identifiers: MedGen C0950123, MeSH D030342.

Submission:

Ambry Genetics
Classification: Pathogenic for Inborn genetic diseases. Last evaluated: 2025-04-03. Review status: criteria provided, single submitter. Criteria: Ambry Variant Classification Scheme 2023. Collection method: clinical testing. Allele origin: germline.
Comment: The c.2686_2687delGA (p.D896Pfs*72) alteration, located in exon 19 (coding exon 19) of the AUTS2 gene, consists of a deletion of 2 nucleotides from position 2686 to 2687, causing a translational frameshift with a predicted alternate stop codon after 72 amino acids. This variant is not expected to trigger nonsense-mediated mRNA decay, and impacts the last 29% of the protein. However, premature stop codons are typically deleterious in nature, a significant portion of the protein is affected, and the impacted region is critical for protein function (Ambry internal data). This variant was not reported in population-based cohorts in the Genome Aggregation Database (gnomAD). Based on the available evidence, this alteration is classified as pathogenic.